The following is an entry in ClinVar:

NM_000051.4(ATM):c.8850+9T>G

Genes: ATM (ATM serine/threonine kinase; plus strand), C11orf65 (chromosome 11 open reading frame 65; minus strand). Cytogenetic location: 11q22.3.
Variant type: single nucleotide variant.
Coding change: c.8850+9T>G on transcript NM_000051.4 (MANE Select); 9 bases into the intron after coding-DNA position 8850, T replaced by G.
Molecular consequence: intron variant.
Genome position (GRCh38, 1-based): chr11:108,354,883, T>G. VCF-style: chr11-108354883-T-G. GRCh37 (hg19) VCF-style: chr11-108225610-T-G.
Other names: c.8850+9T>G (NM_001351834.2); c.640+31037A>C (NM_001330368.2); c.695-19591A>C (NM_001351110.2).
Identifiers: ClinVar variation 751368 (VCV000751368.11), dbSNP rs571828498, ClinGen allele CA228374737.
Genomic context (GRCh38, chr11:108,354,883, plus strand): 5'-AACCATGGAAGTGATGAGAAACTCTCAGGAAACTCTGTTAACCATTGTAGAGGTAAAGTA[T>G]TTTATAAGGAAGACTTTATTTTTTTTCTTACCAGGTAGACTGTGTATCTCATCAGGAAGT-3'

ClinVar aggregate classification (germline): Likely benign. Review status: criteria provided, multiple submitters, no conflicts (2 of 4 stars). 2 submissions from 2 submitters: Likely benign (2). Last evaluated 2025-08-27.

Conditions:
Familial cancer of breast. Also called: Hereditary breast cancer; BREAST CANCER, FAMILIAL; hereditary breast carcinoma. Identifiers: Orphanet 227535, MedGen C0346153, MONDO:0016419, OMIM 114480. Disease mechanism: loss of function.
Ataxia-telangiectasia syndrome (AT). Also called: Ataxia-telangiectasia, complementation group D; AT, COMPLEMENTATION GROUP C; ATAXIA-TELANGIECTASIA, COMPLEMENTATION GROUP A; ATAXIA-TELANGIECTASIA, FRESNO VARIANT; Ataxia-telangiectasia; LOUIS-BAR SYNDROME. Identifiers: Orphanet 100, MedGen C0004135, MONDO:0008840, OMIM 208900.

Allele frequency attached by ClinVar (database versions not stated): gnomAD 0.00001; 1000 Genomes Project 0.00020; 1000 Genomes Project 30x 0.00016; gnomAD exomes below 0.00001.
gnomAD v4.1: 1 of 1,607,762 alleles (0.000062%); highest among the groups gnomAD compares: East Asian, 0.0022%; no homozygotes.

Submissions (2):

Labcorp Genetics (formerly Invitae), Labcorp
Classification: Likely benign for Ataxia-telangiectasia syndrome. Last evaluated: 2025-08-27. Review status: criteria provided, single submitter. Criteria: Invitae Variant Classification Sherloc (09022015). Collection method: clinical testing. Allele origin: germline.

Myriad Genetics, Inc.
Classification: Likely benign for Familial cancer of breast. Last evaluated: 2024-06-21. Review status: criteria provided, single submitter. Criteria: Myriad Autosomal Dominant, Autosomal Recessive and X-Linked Classification Criteria (2023). Collection method: clinical testing. Allele origin: unknown.
Comment: This variant is considered likely benign. This variant is intronic and is not expected to impact mRNA splicing.